The following continues an entry in ClinVar:

NM_007294.4(BRCA1):c.4964C>T (p.Ser1655Phe)

Gene: BRCA1. ClinVar aggregate classification (germline): Pathogenic/Likely pathogenic. Pathogenic (8); Likely pathogenic (3).

Submissions 10 to 16 of 16:

Mendelics
Classification: Likely pathogenic for Breast-ovarian cancer, familial, susceptibility to, 1. Last evaluated: 2019-05-28. Review status: criteria provided, single submitter. Criteria: Mendelics Assertion Criteria 2017. Collection method: clinical testing. Allele origin: unknown.

Cancer Variant Interpretation Group UK, Institute of Cancer Research, London
Classification: Pathogenic for Hereditary Breast and Ovarian Cancer. Last evaluated: 2018-10-31. Review status: criteria provided, single submitter. Criteria: ACMG Guidelines, 2015. Collection method: clinical testing. Allele origin: germline. Affected: yes. Observed: 2 variant alleles.
Comment: Data included in classification: The variant was observed in 2 independent UK families undergoing clinical diagnostic testing, the denominator of which dataset of clinical testing was 16,600. Case control comparison against ethnically matched population data (2/16,600 in familial cases against 0/63,369 GNOMAD NFE controls pexact= 0.04 (PS4). The variant is absent in the remainder of the GNOMAD populations (75,263 individuals) (PM2). Predicted deleterious on SIFT, Align GVGD and Polyphen HumVar (PP3). Non-functional in SGE haploid BRCA1-assay (Findlay et al. 2018), an assay well validated against ENIGMA/ClinVar (PS3) The variant is located in the BRCT1 domain (PM1_sup). c.4963T>C p.(Ser1655Pro) previously classified as pathogenic by CanVIG (July 2018) (PM5). Data not included in classification: Extensive additional functional data demonstrating variant to be deleterious: Williams et al. Carvalho et al. Lee et al., Bouwman et al (2013), Domchek et al (2013), Shakya (2011). Anantha et al (2017) elife; 6 e21350 Apr: undertook functional studies confirming reduced HR activity. Computer based algorithms predicting variant to be deleterious: Iverson (2012), Gomez-Garcia (2009) and Karchin (2007). Segregation 1 in 4 in UK family. Gomez-Garcia et al (2009) demonstrated segregation in 6/6 individuals (across 2 families) but no further details provided. There are additional reports of this variant in ClinVar (2), BIC (3) and BRCA1 LOVD (11).

Laboratory for Genotyping Development, RIKEN
Classification: Pathogenic for Gastric cancer. Last evaluated: 2021-07-01. Review status: no assertion criteria provided. Collection method: research. Allele origin: germline. Not counted in ClinVar's aggregate classification.

Breast Cancer Information Core (BIC) (BRCA1)
Classification: Uncertain significance for Breast-ovarian cancer, familial 1. Last evaluated: 2002-05-29. Review status: no assertion criteria provided. Collection method: clinical testing. Allele origin: germline. Affected: yes. Observed: 3 variant alleles. Not counted in ClinVar's aggregate classification.

Brotman Baty Institute, University of Washington
No classification provided (evidence only). Condition: Breast-ovarian cancer, familial 1. Review status: no classification provided. Collection method: in vitro. Allele origin: not applicable. Functional consequence: functionally_abnormal. Not counted in ClinVar's aggregate classification.
ClinVar note: "not provided" was previously submitted as the classification for the variant. However, the classification appeared to be based only on an observation of functional data so it was converted to no classification on 2025-07-30.

Diagnostic Laboratory, Department of Genetics, University Medical Center Groningen
Classification: Pathogenic. Review status: no assertion criteria provided. Collection method: clinical testing. Allele origin: germline. Affected: yes. Study: VKGL Data-share Consensus. Not counted in ClinVar's aggregate classification.

Joint Genome Diagnostic Labs from Nijmegen and Maastricht, Radboudumc and MUMC+
Classification: Pathogenic. Review status: no assertion criteria provided. Collection method: clinical testing. Allele origin: germline. Affected: yes. Study: VKGL Data-share Consensus. Not counted in ClinVar's aggregate classification.

Literature cited by the submitters: PubMed 30209399 (cited by 6 submitters); PubMed 32546644 (cited by Dasa and Women's Health and Genetics/Laboratory Corporation of America, LabCorp); PubMed 30765603 (cited by Dasa and Ambry Genetics); PubMed 31131967 (cited by Dasa and Center for Genomic Medicine, Rigshospitalet, Copenhagen University Hospital); PubMed 19200354 (cited by 3 submitters); PubMed 19563646 (cited by 3 submitters); PubMed 30606148 (cited by 3 submitters); PubMed 24249303 (cited by Labcorp Genetics (formerly Invitae), Labcorp); PubMed 27767231 (cited by Labcorp Genetics (formerly Invitae), Labcorp); PubMed 29176636 (cited by Labcorp Genetics (formerly Invitae), Labcorp and Ambry Genetics); PubMed 15133502 (cited by Labcorp Genetics (formerly Invitae), Labcorp); PubMed 15133503 (cited by Labcorp Genetics (formerly Invitae), Labcorp); PubMed 17308087 (cited by Labcorp Genetics (formerly Invitae), Labcorp); PubMed 20516115 (cited by Labcorp Genetics (formerly Invitae), Labcorp and Women's Health and Genetics/Laboratory Corporation of America, LabCorp); PubMed 23867111 (cited by 3 submitters); PubMed 28398198 (cited by Labcorp Genetics (formerly Invitae), Labcorp); PubMed 36329109 (cited by Genetics Program, Instituto Nacional de Cancer); PubMed 15235020 (cited by Women's Health and Genetics/Laboratory Corporation of America, LabCorp); PubMed 30458859 (cited by Women's Health and Genetics/Laboratory Corporation of America, LabCorp and Ambry Genetics); PubMed 33067557 (cited by Women's Health and Genetics/Laboratory Corporation of America, LabCorp); PubMed 30287823 (cited by Ambry Genetics); PubMed 36988593 (cited by Laboratory for Genotyping Development, RIKEN).